The following is an entry in ClinVar:

ClinVar aggregate classification (germline): Uncertain significance (1 of 4 stars; one submission).

Conditions:
BDNF-related disorder. Also called: BDNF-related condition.

gnomAD v4.1: 1 of 1,590,110 alleles (0.000063%); highest among the groups gnomAD compares: Non-Finnish European, 0.000086%; no homozygotes.

Submission:

PreventionGenetics, part of Exact Sciences
Classification: Uncertain significance for BDNF-related condition. Last evaluated: 2025-07-03. Review status: criteria provided, single submitter. Criteria: ACMG Guidelines, 2015. Collection method: clinical testing. Allele origin: germline.
Comment: The BDNF c.46C>T variant is predicted to result in the amino acid substitution p.Leu16Phe. To our knowledge, this variant has not been reported in the literature or in a large population database (gnomAD), indicating this variant is rare. At this time, the clinical significance of this variant is uncertain due to the absence of conclusive functional and genetic evidence.

NM_001709.5(BDNF):c.-21-15654C>T

Genes: BDNF (brain derived neurotrophic factor; minus strand), BDNF-AS (BDNF antisense RNA; plus strand). Cytogenetic location: 11p14.1.
Variant type: single nucleotide variant.
Coding change: c.-21-15654C>T on transcript NM_001709.5 (MANE Select); 15654 bases into the intron before 21 bases upstream of the start codon, C replaced by T.
Molecular consequence: intron variant. On other transcripts: missense variant (1), 5 prime UTR variant (1).
Genome position (GRCh38, 1-based): chr11:27,674,239, G>A on the plus strand (C>T on the coding strand, the complement: BDNF is on the minus strand). VCF-style: chr11-27674239-G-A. GRCh37 (hg19) VCF-style: chr11-27695786-G-A.
Other names: c.-128-15313C>T (NM_001143814.2); c.25-15654C>T (NM_170734.4); c.46C>T, p.Leu16Phe (NM_001143810.2); c.-318C>T (NM_001143811.2); c.4-15654C>T (NM_170731.5); c.-21-15654C>T (NM_001143805.1, NM_001143806.1, NM_170732.4 and 5 more transcripts); c.67-15654C>T (NM_001143809.2); short protein forms L16F.
Identifiers: ClinVar variation 4998630 (VCV004998630.1).